The following is an entry in ClinVar:

NM_001377265.1(MAPT):c.1732+2365C>A

Gene: MAPT (microtubule associated protein tau). Cytogenetic location: 17q21.31.
Variant type: single nucleotide variant.
Coding change: c.1732+2365C>A on transcript NM_001377265.1 (MANE Select); 2365 bases into the intron after coding-DNA position 1732, C replaced by A.
Molecular consequence: intron variant. On other transcripts: missense variant (1).
Genome position (GRCh38, 1-based): chr17:45,993,951, C>A. VCF-style: chr17-45993951-C-A. GRCh37 (hg19) VCF-style: chr17-44071317-C-A.
Other names: c.1535C>A, p.Pro512His (NM_001123066.4); c.382+2365C>A (NM_001377268.1, NM_016834.5, NM_016841.5); c.1507+2365C>A (NM_016835.5); c.556+2365C>A (NM_005910.6, NM_001203252.2); c.1534+2365C>A (NM_001377266.1); c.469+2365C>A (NM_001123067.4, NM_001203251.2, NM_001377267.1); c.1535C>A (NM_001123066.3); short protein forms P512H.
Identifiers: ClinVar variation 2498709 (VCV002498709.29), dbSNP rs192236920, ClinGen allele CA8618000.
Genomic context (GRCh38, chr17:45,993,951, plus strand): 5'-ATAATAAGGCTTTCGTGGATTTTTCTCTTTAAGCGACTAAGCAAGTCCAGAGAAGACCAC[C>A]CCCTGCAGGGCCCAGATCTGAGAGAGGTACTCGGGAGCCTACTTCGCTGGGAGCAGCCTC-3'

ClinVar aggregate classification (germline): Likely benign. Review status: criteria provided, single submitter (1 of 4 stars). 2 submissions from 2 submitters: Likely benign (1). 1 of the submissions does not count toward it. Last evaluated 2026-03-01.

Conditions:
MAPT-related disorder. Also called: MAPT-Related Disorders; MAPT-related condition.

Allele frequency attached by ClinVar (database versions not stated): ExAC 0.00007; ESP Exome Variant Server 0.00010; gnomAD 0.00014; TOPMed 0.00019; 1000 Genomes Project 30x 0.00031; 1000 Genomes Project 0.00040.
gnomAD v4.1: 90 of 1,576,748 alleles (0.0057%); highest among the groups gnomAD compares: Admixed American, 0.029%; 1 homozygote.

Submissions (2):

CeGaT Center for Human Genetics Tuebingen
Classification: Likely benign. Last evaluated: 2026-03-01. Review status: criteria provided, single submitter. Criteria: CeGaT Center For Human Genetics Tuebingen Variant Classification Criteria Version 2. Collection method: clinical testing. Allele origin: germline. Affected: yes. Observed: 2 variant alleles.
Comment: MAPT: BP4

PreventionGenetics, part of Exact Sciences
Classification: Uncertain significance for MAPT-related condition. Last evaluated: 2023-11-03. Review status: no assertion criteria provided. Collection method: clinical testing. Allele origin: germline. Not counted in ClinVar's aggregate classification.
Comment: The MAPT c.1535C>A variant is predicted to result in the amino acid substitution p.Pro512His. To our knowledge, this variant has not been reported in the literature. This variant is reported in 0.014% of alleles in individuals of Latino descent in gnomAD. At this time, the clinical significance of this variant is uncertain due to the absence of conclusive functional and genetic evidence.